The following is an entry in ClinVar:

ClinVar aggregate classification (germline): Likely benign. Review status: criteria provided, single submitter (1 of 4 stars). 2 submissions from 2 submitters: Likely benign (1). 1 of the submissions does not count toward it. Last evaluated 2023-03-23.

Conditions:
Familial cancer of breast. Also called: BREAST CANCER, FAMILIAL; Hereditary breast cancer; hereditary breast carcinoma. Identifiers: Orphanet 227535, MedGen C0346153, MONDO:0016419, OMIM 114480. Disease mechanism: loss of function.
Hereditary cancer-predisposing syndrome. Also called: Neoplastic Syndromes, Hereditary; Hereditary neoplastic syndrome; Tumor predisposition; Hereditary Cancer Syndrome. Identifiers: Orphanet 140162, MedGen C0027672, MeSH D009386, MONDO:0015356.

Submissions (2):

University of Washington Department of Laboratory Medicine, University of Washington
Classification: Likely benign for Hereditary cancer-predisposing syndrome. Last evaluated: 2023-03-23. Review status: criteria provided, single submitter. Criteria: Dines et al. (Genet Med. 2020). Collection method: curation. Allele origin: germline.
Comment: Missense variant in a coldspot region where missense variants are very unlikely to be pathogenic (PMID:31911673).

BRCA1 coldspot (exon 11 using historical exon numbering). Reclassification based on statistical prior probability

ClinVar Staff, National Center for Biotechnology Information (NCBI)
No classification provided. Condition: Familial cancer of breast. Review status: no classification provided. Collection method: literature only. Allele origin: germline. Affected: yes. Not counted in ClinVar's aggregate classification.

Literature cited by the submitters: PubMed 18273839 (cited by ClinVar Staff, National Center for Biotechnology Information (NCBI)).

NM_007294.4(BRCA1):c.787G>T (p.Gly263Cys)

Gene: BRCA1 (BRCA1 DNA repair associated; minus strand). Cytogenetic location: 17q21.31.
Variant type: single nucleotide variant.
Coding change: c.787G>T on transcript NM_007294.4 (MANE Select); coding-DNA position 787, G replaced by T.
Protein change: p.Gly263Cys; replaces glycine 263 with cysteine.
Molecular consequence: missense variant. On other transcripts: non-coding transcript variant (1).
Genome position (GRCh38, 1-based): chr17:43,094,744, C>A on the plus strand (G>T on the coding strand, the complement: BRCA1 is on the minus strand). VCF-style: chr17-43094744-C-A. GRCh37 (hg19) VCF-style: chr17-41246761-C-A.
Other names: c.709G>T, p.Gly237Cys (NM_001407663.1, NM_001408409.1, NM_001408411.1 and 9 more transcripts); c.664G>T, p.Gly222Cys (NM_001407664.1, NM_001407665.1, NM_001407666.1 and 34 more transcripts); c.661G>T, p.Gly221Cys (NM_001407670.1, NM_001407671.1, NM_001407672.1 and 20 more transcripts); c.787G>T, p.Gly263Cys (NM_001407684.1, NM_001407854.1, NM_001407858.1 and 52 more transcripts); c.646G>T, p.Gly216Cys (NM_001407692.1, NM_001407694.1, NM_001407695.1 and 43 more transcripts); c.643G>T, p.Gly215Cys (NM_001407740.1, NM_001407741.1, NM_001407742.1 and 26 more transcripts); c.574G>T, p.Gly192Cys (NM_001407853.1, NM_001407894.1, NM_001407895.1 and 12 more transcripts); c.784G>T, p.Gly262Cys (NM_001407860.1, NM_001407861.1, NM_001407972.1 and 38 more transcripts); and 15 more; short protein forms G263C, G216C, G174C, G175C, G222C, G260C, G193C, G215C.
Identifiers: ClinVar variation 55699 (VCV000055699.4), dbSNP rs397509318, ClinGen allele CA003869.
Genomic context (GRCh38, chr17:43,094,744, plus strand): 5'-ATGAGCTGGCATGAGTATTTGTGCCACATGGCTCCACATGCAAGTTTGAAACAGAACTAC[C>A]CTGATACTTTTCTGGATGCCTCTCAGCTGCACGCTTCTCAGTGGTGTTCAAATCATTATT-3'
Protein context (NP_009225.1, residues 253-273): AAERHPEKYQ[Gly263Cys]SSVSNLHVEP